The following is an entry in ClinVar:

ClinVar aggregate classification (germline): Likely pathogenic (1 of 4 stars; one submission).

Submission:

Mayo Clinic Laboratories, Mayo Clinic
Classification: Likely pathogenic. Last evaluated: 2019-08-03. Review status: criteria provided, single submitter. Criteria: ACMG Guidelines, 2015. Collection method: clinical testing. Allele origin: germline. Observed: 1 variant allele.
Comment: PVS1, PM2

NM_001267550.2(TTN):c.53836dup (p.Ser17946fs)

Genes: TTN (titin; minus strand), TTN-AS1 (TTN antisense RNA 1; plus strand). Cytogenetic location: 2q31.2.
Variant type: Duplication.
Coding change: c.53836dup on transcript NM_001267550.2 (MANE Select); coding-DNA position 53836, one base duplicated (A; older notation c.53836dupA).
Protein change: p.Ser17946fs; shifts the reading frame from serine 17946.
Molecular consequence: frameshift variant.
Genome position (GRCh38, 1-based): chr2:178,605,459, T duplicated on the plus strand (A on the coding strand, the reverse complement: TTN is on the minus strand); the first of 3 consecutive T bases (chr2:178,605,459-178,605,461); duplicating any one gives the same sequence. VCF-style (leftmost placement, unchanged base first): chr2-178605458-C-CT. GRCh37 (hg19) VCF-style: chr2-179470185-C-CT.
Other names: c.48913dup, p.Ser16305fs (NM_001256850.1); c.26641dup, p.Ser8881fs (NM_003319.4); c.46132dup, p.Ser15378fs (NM_133378.4); c.27016dup, p.Ser9006fs (NM_133432.3); c.27217dup, p.Ser9073fs (NM_133437.4); c.48913dupA (NM_001256850.1); short protein forms S15378fs, S16305fs, S17946fs, S8881fs, S9006fs, S9073fs.
Identifiers: ClinVar variation 1163813 (VCV001163813.5), dbSNP rs2154195584, ClinGen allele CA2499215422.
Genomic context (GRCh38, chr2:178,605,458, plus strand): 5'-TATTCAGATTCCGCACCTTCATCATCTTGTATGACTACATTAAGAGGTAGGGATGGTTCA[C>CT]TTTCACCAATTTCATTGACAGCTTTGACACGGAACTCATACATTTGGTGTTCATCAAGAT-3'